The following is an entry in ClinVar:

ClinVar aggregate classification (germline): Pathogenic (1 of 4 stars; one submission).

Submission:

Labcorp Genetics (formerly Invitae), Labcorp
Classification: Pathogenic. Last evaluated: 2024-06-24. Review status: criteria provided, single submitter. Criteria: Invitae Variant Classification Sherloc (09022015). Collection method: clinical testing. Allele origin: germline.
Comment: This sequence change creates a premature translational stop signal (p.Ile541Phefs*18) in the PLS3 gene. It is expected to result in an absent or disrupted protein product. Loss-of-function variants in PLS3 are known to be pathogenic (PMID: 24088043, 30405713, 33166085). This variant is not present in population databases (gnomAD no frequency). This variant has not been reported in the literature in individuals affected with PLS3-related conditions. For these reasons, this variant has been classified as Pathogenic.

Literature cited by the submitters: PubMed 24088043; PubMed 30405713; PubMed 33166085.

NM_005032.7(PLS3):c.1620del (p.Ile541fs)

Gene: PLS3 (plastin 3; plus strand). Cytogenetic location: Xq23.
Variant type: Deletion.
Coding change: c.1620del on transcript NM_005032.7 (MANE Select); coding-DNA position 1620, one base deleted (C; older notation c.1620delC).
Protein change: p.Ile541fs; shifts the reading frame from isoleucine 541.
Molecular consequence: frameshift variant.
Genome position (GRCh38, 1-based): chrX:115,647,658, C deleted; the last of 2 consecutive C bases (chrX:115,647,657-115,647,658); deleting either gives the same sequence. VCF-style (leftmost placement, unchanged base first): chrX-115647656-TC-T. GRCh37 (hg19) VCF-style: chrX-114881976-TC-T.
Other names: c.1620del, p.Ile541fs (NM_001136025.5); c.1539del, p.Ile514fs (NM_001172335.3); c.1581del, p.Ile528fs (NM_001282337.2); c.1485del, p.Ile496fs (NM_001282338.2); short protein forms I496fs, I528fs, I541fs, I514fs.
Identifiers: ClinVar variation 3657672 (VCV003657672.2).
Genomic context (GRCh38, chrX:115,647,656, plus strand): 5'-AATGACGACATCATTGTGAACTGGGTGAACAGAACGTTGAGTGAAGCTGGAAAATCAACT[TC>T]CATTCAGAGTTTTAAGGTCAGAATCCATATTTGACTATTAAATATTATGTTTGCTGGATA-3'